The following is an entry in ClinVar:

NM_000552.5(VWF):c.8276T>C (p.Met2759Thr)

Gene: VWF (von Willebrand factor; minus strand). Cytogenetic location: 12p13.31.
Variant type: single nucleotide variant.
Coding change: c.8276T>C on transcript NM_000552.5 (MANE Select); coding-DNA position 8276, T replaced by C.
Protein change: p.Met2759Thr; replaces methionine 2759 with threonine.
Molecular consequence: missense variant.
Genome position (GRCh38, 1-based): chr12:5,949,181, A>G on the plus strand (T>C on the coding strand, the complement: VWF is on the minus strand). VCF-style: chr12-5949181-A-G. GRCh37 (hg19) VCF-style: chr12-6058347-A-G.
Other names: short protein forms M2759T.
Identifiers: ClinVar variation 627398 (VCV000627398.4), dbSNP rs776681874, ClinGen allele CA6401339.

ClinVar aggregate classification (germline): Uncertain significance. Review status: criteria provided, multiple submitters, no conflicts (2 of 4 stars). 2 submissions from 2 submitters: Uncertain significance (2). Last evaluated 2019-02-01.

Conditions:
von Willebrand disease type 1 (VWD1). Also called: VON WILLEBRAND DISEASE, TYPE I; VWD, TYPE 1. Identifiers: Orphanet 166078, Orphanet 903, MedGen C1264039, MONDO:0008668, OMIM 193400. Inheritance: autosomal recessive or autosomal dominant.
Hereditary von Willebrand disease. Identifiers: Orphanet 903, MedGen C5703318, MONDO:0019565. Inheritance: Autosomal recessive or Autosomal dominant.

Allele frequency attached by ClinVar (database versions not stated): ExAC 0.00002; gnomAD 0.00002; TOPMed 0.00002; gnomAD exomes 0.00004.
gnomAD v4.1: 55 of 1,614,078 alleles (0.0034%); highest among the groups gnomAD compares: Non-Finnish European, 0.0045%; no homozygotes.

Submissions (2):

NIHR Bioresource Rare Diseases, University of Cambridge
Classification: Uncertain significance for von Willebrand disorder. Last evaluated: 2019-02-01. Review status: criteria provided, single submitter. Criteria: ACMG Guidelines, 2015. Collection method: research. Allele origin: unknown. Affected: yes. Observed: 1 heterozygote. Study: ThromboGenomics.

ISTH-SSC Genomics in Thrombosis and Hemostasis, KU Leuven, Center for Molecular and Vascular Biology
Classification: Uncertain significance for von Willebrand disease type 1. Review status: criteria provided, single submitter. Criteria: ACMG Guidelines, 2015. Collection method: clinical testing. Allele origin: germline. Affected: yes. Observed: 1 heterozygote.
Comment: Submitted to the GoldVariant database by Kathleen Freson, Center for Molecular and Vascular Biology

Literature cited by the submitters: PubMed 31064749 (cited by NIHR Bioresource Rare Diseases, University of Cambridge).